The following is an entry in ClinVar:

ClinVar aggregate classification (germline): Uncertain significance. Review status: criteria provided, multiple submitters, no conflicts (2 of 4 stars). 3 submissions from 3 submitters: Uncertain significance (3). Last evaluated 2026-07-12.

Conditions:
COL12A1-related disorder. Also called: COL12A1-related condition.
Ullrich congenital muscular dystrophy 2 (UCMD2). Identifiers: Orphanet 75840, MedGen C4225314, MONDO:0014654, OMIM 616470.
Bethlem myopathy 2 (BTHLM2). Identifiers: Orphanet 536516, Orphanet 610, MedGen C4225313, MONDO:0034022, OMIM 616471.

Allele frequency attached by ClinVar (database versions not stated): gnomAD 0.00001; gnomAD exomes 0.00001; TOPMed 0.00001.
gnomAD v4.1: 15 of 1,613,926 alleles (0.00093%); highest among the groups gnomAD compares: Non-Finnish European, 0.0013%; no homozygotes.

Submissions (3):

PreventionGenetics, part of Exact Sciences
Classification: Uncertain significance for COL12A1-related condition. Last evaluated: 2026-07-12. Review status: criteria provided, single submitter. Criteria: ACMG Guidelines, 2015. Collection method: clinical testing. Allele origin: germline.
Comment: The COL12A1 c.2324G>A variant is predicted to result in the amino acid substitution p.Arg775Lys. To our knowledge, this variant has not been reported in the literature. This variant is reported in 0.0065% of alleles in individuals of European (Non-Finnish) descent in gnomAD. At this time, the clinical significance of this variant is uncertain due to the absence of conclusive functional and genetic evidence.

Labcorp Genetics (formerly Invitae), Labcorp
Classification: Uncertain significance for Bethlem myopathy 2; Ullrich congenital muscular dystrophy 2. Last evaluated: 2025-04-30. Review status: criteria provided, single submitter. Criteria: Invitae Variant Classification Sherloc (09022015). Collection method: clinical testing. Allele origin: germline.
Comment: This sequence change replaces arginine, which is basic and polar, with lysine, which is basic and polar, at codon 775 of the COL12A1 protein (p.Arg775Lys). This variant is present in population databases (no rsID available, gnomAD 0.007%). This variant has not been reported in the literature in individuals affected with COL12A1-related conditions. ClinVar contains an entry for this variant (Variation ID: 580959). Invitae Evidence Modeling of protein sequence and biophysical properties (such as structural, functional, and spatial information, amino acid conservation, physicochemical variation, residue mobility, and thermodynamic stability) indicates that this missense variant is not expected to disrupt COL12A1 protein function with a negative predictive value of 80%. In summary, the available evidence is currently insufficient to determine the role of this variant in disease. Therefore, it has been classified as a Variant of Uncertain Significance.

GeneDx
Classification: Uncertain significance. Last evaluated: 2023-07-25. Review status: criteria provided, single submitter. Criteria: GeneDx Variant Classification Process June 2021. Collection method: clinical testing. Allele origin: germline. Affected: yes.
Comment: Not observed at significant frequency in large population cohorts (gnomAD); In silico analysis supports that this missense variant does not alter protein structure/function; Has not been previously published as pathogenic or benign to our knowledge

NM_004370.6(COL12A1):c.2324G>A (p.Arg775Lys)

Gene: COL12A1 (collagen type XII alpha 1 chain; minus strand). Cytogenetic location: 6q13.
Variant type: single nucleotide variant.
Coding change: c.2324G>A on transcript NM_004370.6 (MANE Select); coding-DNA position 2324, G replaced by A.
Protein change: p.Arg775Lys; replaces arginine 775 with lysine.
Molecular consequence: missense variant. On other transcripts: intron variant (1).
Genome position (GRCh38, 1-based): chr6:75,177,776, C>T on the plus strand (G>A on the coding strand, the complement: COL12A1 is on the minus strand). VCF-style: chr6-75177776-C-T. GRCh37 (hg19) VCF-style: chr6-75887492-C-T.
Other names: c.73+24944G>A (NM_080645.3); short protein forms R775K.
Identifiers: ClinVar variation 580959 (VCV000580959.11), dbSNP rs1341266694, ClinGen allele CA364764006.